The following is an entry in ClinVar:

ClinVar aggregate classification (germline): Uncertain significance (1 of 4 stars; one submission).

Conditions:
Cardiovascular phenotype. Identifiers: MedGen CN230736.

gnomAD v4.1: 14 of 1,613,124 alleles (0.00087%); highest among the groups gnomAD compares: East Asian, 0.0022%; no homozygotes.

Submission:

Ambry Genetics
Classification: Uncertain significance for Cardiovascular phenotype. Last evaluated: 2024-05-30. Review status: criteria provided, single submitter. Criteria: Ambry Variant Classification Scheme 2023. Collection method: clinical testing. Allele origin: germline.
Comment: The p.P2675L variant (also known as c.8024C>T), located in coding exon 22 of the TNXB gene, results from a C to T substitution at nucleotide position 8024. The proline at codon 2675 is replaced by leucine, an amino acid with similar properties. This amino acid position is conserved. In addition, this alteration is predicted to be tolerated by in silico analysis. Based on the available evidence, the clinical significance of this variant remains unclear.

NM_001365276.2(TNXB):c.8024C>T (p.Pro2675Leu)

Gene: TNXB (tenascin XB; minus strand). Cytogenetic location: 6p21.33.
Variant type: single nucleotide variant.
Coding change: c.8024C>T on transcript NM_001365276.2 (MANE Select); coding-DNA position 8024, C replaced by T.
Protein change: p.Pro2675Leu; replaces proline 2675 with leucine.
Molecular consequence: missense variant.
Genome position (GRCh38, 1-based): chr6:32,056,705, G>A on the plus strand (C>T on the coding strand, the complement: TNXB is on the minus strand). VCF-style: chr6-32056705-G-A. GRCh37 (hg19) VCF-style: chr6-32024482-G-A.
Other names: c.8024C>T, p.Pro2675Leu (NM_019105.8); short protein forms P2675L.
Identifiers: ClinVar variation 3327863 (VCV003327863.1).